The following is an entry in ClinVar:

NM_022098.4(XPNPEP3):c.*2978G>A

Gene: XPNPEP3 (X-prolyl aminopeptidase 3; plus strand). Cytogenetic location: 22q13.2.
Variant type: single nucleotide variant.
Coding change: c.*2978G>A on transcript NM_022098.4 (MANE Select); 2978 bases downstream of the stop codon, G replaced by A.
Molecular consequence: 3 prime UTR variant.
Genome position (GRCh38, 1-based): chr22:40,929,413, G>A. VCF-style: chr22-40929413-G-A. GRCh37 (hg19) VCF-style: chr22-41325417-G-A.
Identifiers: ClinVar variation 341725 (VCV000341725.6), dbSNP rs9623285, ClinGen allele CA10653523.

ClinVar aggregate classification (germline): Benign. Review status: criteria provided, multiple submitters, no conflicts (2 of 4 stars). 2 submissions from 2 submitters: Benign (2). Last evaluated 2018-01-13.

Conditions:
Nephronophthisis-like nephropathy 1 (NPHPL1). Identifiers: Orphanet 655, MedGen C3150419, MONDO:0013163, OMIM 613159.

Allele frequency attached by ClinVar (database versions not stated): gnomAD 0.04523 and 0.04861; 1000 Genomes Project 0.04533; 1000 Genomes Project 30x 0.04731; TOPMed 0.05072.

Submissions (2):

Illumina Laboratory Services, Illumina
Classification: Benign for Nephronophthisis-like nephropathy 1. Last evaluated: 2018-01-13. Review status: criteria provided, single submitter. Criteria: ICSL Variant Classification Criteria 13 December 2019. Collection method: clinical testing. Allele origin: germline.
Comment: This variant was observed in the ICSL laboratory as part of a predisposition screen in an ostensibly healthy population. It had not been previously curated by ICSL or reported in the Human Gene Mutation Database (HGMD: prior to June 1st, 2018), and was therefore a candidate for classification through an automated scoring system. Utilizing variant allele frequency, disease prevalence and penetrance estimates, and inheritance mode, an automated score was calculated to assess if this variant is too frequent to cause the disease. Based on the score and internal cut-off values, a variant classified as benign is not then subjected to further curation. The score for this variant resulted in a classification of benign for this disease.

Breakthrough Genomics
Classification: Benign. Review status: criteria provided, single submitter. Criteria: ACMG Guidelines, 2015. Collection method: not provided. Allele origin: germline. Inheritance: Autosomal recessive inheritance. Affected: yes.